The following is an entry in ClinVar:

ClinVar aggregate classification (germline): Benign/Likely benign. Review status: criteria provided, multiple submitters, no conflicts (2 of 4 stars). 6 submissions from 6 submitters: Benign (5); Likely benign (1). Last evaluated 2026-05-11.

Conditions:
Achondrogenesis, type IA (ACG1A). Identifiers: Orphanet 932, Orphanet 93299, MedGen C0265273, MONDO:0008701, OMIM 200600.
Connective tissue disorder. Also called: Connective tissue disease. Identifiers: MedGen C0009782, MONDO:0003900.

Allele frequency attached by ClinVar (database versions not stated): gnomAD exomes 0.01376 and 0.00578; gnomAD 0.03054 and 0.03105; 1000 Genomes Project 0.04633; ExAC 0.01799; TOPMed 0.03362; ESP Exome Variant Server 0.02892; 1000 Genomes Project 30x 0.04591.
gnomAD v4.1: 13,566 of 1,609,890 alleles (0.84%); highest among the groups gnomAD compares: African/African-American, 10%; 524 homozygotes.

Submissions (6):

Women's Health and Genetics/Laboratory Corporation of America, LabCorp
Classification: Likely benign. Last evaluated: 2026-05-11. Review status: criteria provided, single submitter. Criteria: LabCorp Variant Classification Summary - May 2015. Collection method: clinical testing. Allele origin: germline.

Labcorp Genetics (formerly Invitae), Labcorp
Classification: Benign for Achondrogenesis, type IA. Last evaluated: 2026-02-03. Review status: criteria provided, single submitter. Criteria: Invitae Variant Classification Sherloc (09022015). Collection method: clinical testing. Allele origin: germline.

Genome Diagnostics Laboratory, The Hospital for Sick Children
Classification: Benign for Connective tissue disorder. Last evaluated: 2021-12-18. Review status: criteria provided, single submitter. Criteria: ACMG Guidelines, 2015. Collection method: clinical testing. Allele origin: germline.

Illumina Laboratory Services, Illumina
Classification: Benign for Achondrogenesis, type IA. Last evaluated: 2018-01-13. Review status: criteria provided, single submitter. Criteria: ICSL Variant Classification Criteria 13 December 2019. Collection method: clinical testing. Allele origin: germline.
Comment: This variant was observed in the ICSL laboratory as part of a predisposition screen in an ostensibly healthy population. It had not been previously curated by ICSL or reported in the Human Gene Mutation Database (HGMD: prior to June 1st, 2018), and was therefore a candidate for classification through an automated scoring system. Utilizing variant allele frequency, disease prevalence and penetrance estimates, and inheritance mode, an automated score was calculated to assess if this variant is too frequent to cause the disease. Based on the score and internal cut-off values, a variant classified as benign is not then subjected to further curation. The score for this variant resulted in a classification of benign for this disease.

GeneDx
Classification: Benign. Last evaluated: 2016-05-16. Review status: criteria provided, single submitter. Criteria: GeneDx Variant Classification (06012015). Collection method: clinical testing. Allele origin: germline. Affected: yes.
Comment: This variant is considered likely benign or benign based on one or more of the following criteria: it is a conservative change, it occurs at a poorly conserved position in the protein, it is predicted to be benign by multiple in silico algorithms, and/or has population frequency not consistent with disease.

Breakthrough Genomics
Classification: Benign. Review status: criteria provided, single submitter. Criteria: ACMG Guidelines, 2015. Collection method: not provided. Allele origin: germline. Inheritance: Autosomal recessive inheritance. Affected: yes.

NM_004239.4(TRIP11):c.5255G>A (p.Arg1752Lys)

Gene: TRIP11 (thyroid hormone receptor interactor 11; minus strand). Cytogenetic location: 14q32.12.
Variant type: single nucleotide variant.
Coding change: c.5255G>A on transcript NM_004239.4 (MANE Select); coding-DNA position 5255, G replaced by A.
Protein change: p.Arg1752Lys; replaces arginine 1752 with lysine.
Molecular consequence: missense variant.
Genome position (GRCh38, 1-based): chr14:91,988,289, C>T on the plus strand (G>A on the coding strand, the complement: TRIP11 is on the minus strand). VCF-style: chr14-91988289-C-T. GRCh37 (hg19) VCF-style: chr14-92454633-C-T.
Other names: c.5252G>A, p.Arg1751Lys (NM_001321851.1); short protein forms R1752K, R1751K.
Identifiers: ClinVar variation 314932 (VCV000314932.18), dbSNP rs11851376, ClinGen allele CA7313231.
Genomic context (GRCh38, chr14:91,988,289, plus strand): 5'-ATTTGATTTAATATCAGTATTGTAGTGGGGGAAAAATGAAAAGAAAAAAACCTACTTTGT[C>T]TTTTAAGTTCTTCAATTTGTTCTTCTTTTACATCTAACTGTTCTGTAAGTCTTGATGCTG-3'
Protein context (NP_004230.2, residues 1742-1762): VKEEQIEELK[Arg1752Lys]QNELRQEMLD